The following is an entry in ClinVar:

ClinVar aggregate classification (germline): Uncertain significance (1 of 4 stars; one submission).

Conditions:
PCNT-related disorder. Also called: PCNT-related condition.

gnomAD v4.1: 15 of 1,614,098 alleles (0.00093%); highest among the groups gnomAD compares: African/African-American, 0.017%; no homozygotes.

Submission:

PreventionGenetics, part of Exact Sciences
Classification: Uncertain significance for PCNT-related condition. Last evaluated: 2026-05-04. Review status: criteria provided, single submitter. Criteria: ACMG Guidelines, 2015. Collection method: clinical testing. Allele origin: germline.
Comment: The PCNT c.127G>A variant is predicted to result in the amino acid substitution p.Gly43Ser. To our knowledge, this variant has not been reported in the literature. This variant is reported in 0.018% of alleles in individuals of African descent in gnomAD. At this time, the clinical significance of this variant is uncertain due to the absence of conclusive functional and genetic evidence.

NM_006031.6(PCNT):c.127G>A (p.Gly43Ser)

Genes: PCNT (pericentrin; plus strand), LOC128092249 (uncharacterized LOC128092249; plus strand). Cytogenetic location: 21q22.3.
Variant type: single nucleotide variant.
Coding change: c.127G>A on transcript NM_006031.6 (MANE Select); coding-DNA position 127, G replaced by A.
Protein change: p.Gly43Ser; replaces glycine 43 with serine.
Molecular consequence: missense variant. On other transcripts: synonymous variant (1), 5 prime UTR variant (1).
Genome position (GRCh38, 1-based): chr21:46,326,449, G>A. VCF-style: chr21-46326449-G-A. GRCh37 (hg19) VCF-style: chr21-47746363-G-A.
Other names: c.162G>A, p.Arg54= (NM_001414902.1); c.-228G>A (NM_001315529.2); short protein forms G43S.
Identifiers: ClinVar variation 4979392 (VCV004979392.1).